The following is an entry in ClinVar:

NM_006734.4(HIVEP2):c.1477C>G (p.Leu493Val)

Gene: HIVEP2 (HIVEP zinc finger 2; minus strand). Cytogenetic location: 6q24.2.
Variant type: single nucleotide variant.
Coding change: c.1477C>G on transcript NM_006734.4 (MANE Select); coding-DNA position 1477, C replaced by G.
Protein change: p.Leu493Val; replaces leucine 493 with valine.
Molecular consequence: missense variant.
Genome position (GRCh38, 1-based): chr6:142,773,262, G>C on the plus strand (C>G on the coding strand, the complement: HIVEP2 is on the minus strand). VCF-style: chr6-142773262-G-C. GRCh37 (hg19) VCF-style: chr6-143094399-G-C.
Other names: short protein forms L493V.
Identifiers: ClinVar variation 2178464 (VCV002178464.5), dbSNP rs763608948, ClinGen allele CA4028590.

ClinVar aggregate classification (germline): Conflicting classifications of pathogenicity. Review status: criteria provided, conflicting classifications (1 of 4 stars). 2 submissions from 2 submitters: Uncertain significance (1); Likely benign (1). Last evaluated 2025-11-11.

Allele frequency attached by ClinVar (database versions not stated): ExAC 0.00001; gnomAD exomes 0.00001; TOPMed 0.00001; gnomAD 0.00002.
gnomAD v4.1: 7 of 1,614,064 alleles (0.00043%); highest among the groups gnomAD compares: Admixed American, 0.012%; no homozygotes.

Submissions (2):

Women's Health and Genetics/Laboratory Corporation of America, LabCorp
Classification: Uncertain significance. Last evaluated: 2025-11-11. Review status: criteria provided, single submitter. Criteria: LabCorp Variant Classification Summary - May 2015. Collection method: clinical testing. Allele origin: germline.
Comment: Variant summary: HIVEP2 c.1477C>G (p.Leu493Val) results in a conservative amino acid change in the encoded protein sequence. Algorithms developed to predict the effect of missense changes on protein structure and function are either unavailable or do not agree on the potential impact of this missense change. The variant allele was found at a frequency of 1.2e-05 in 249582 control chromosomes. The available data on variant occurrences in the general population are insufficient to allow any conclusion about variant significance. To our knowledge, no occurrence of c.1477C>G in individuals affected with HIVEP2-related conditions and no experimental evidence demonstrating its impact on protein function have been reported. ClinVar contains an entry for this variant (Variation ID: 2178464). Based on the evidence outlined above, the variant was classified as uncertain significance.

Labcorp Genetics (formerly Invitae), Labcorp
Classification: Likely benign. Last evaluated: 2025-05-11. Review status: criteria provided, single submitter. Criteria: Invitae Variant Classification Sherloc (09022015). Collection method: clinical testing. Allele origin: germline.